The following is an entry in ClinVar:

NM_000256.3(MYBPC3):c.1094T>C (p.Phe365Ser)

Gene: MYBPC3 (myosin binding protein C3; minus strand). Cytogenetic location: 11p11.2.
Variant type: single nucleotide variant.
Coding change: c.1094T>C on transcript NM_000256.3 (MANE Select); coding-DNA position 1094, T replaced by C.
Protein change: p.Phe365Ser; replaces phenylalanine 365 with serine.
Molecular consequence: missense variant.
Genome position (GRCh38, 1-based): chr11:47,343,621, A>G on the plus strand (T>C on the coding strand, the complement: MYBPC3 is on the minus strand). VCF-style: chr11-47343621-A-G. GRCh37 (hg19) VCF-style: chr11-47365172-A-G.
Other names: short protein forms F365S.
Identifiers: ClinVar variation 1722117 (VCV001722117.5), dbSNP rs2495765807, ClinGen allele CA380329527.
Genomic context (GRCh38, chr11:47,343,621, plus strand): 5'-ACGGTCAGCCGGATCTTGTGGCCTTTGCTCACCTGGTAGGCCGGCTCCAGCTTCTTCTGA[A>G]AGGCTGAGCACCACCCCTCAGCCCCGGCCACCCCACCGCCCGCACCCTGCTCCCCCAGGC-3'
Protein context (NP_000247.2, residues 355-375): MRRDEKKSTA[Phe365Ser]QKKLEPAYQV

ClinVar aggregate classification (germline): Uncertain significance (1 of 4 stars; one submission).

Conditions:
Hypertrophic cardiomyopathy. Also called: HYPERTROPHIC MYOCARDIOPATHY. Identifiers: Orphanet 217569, MedGen C0007194, MeSH D002312, MONDO:0005045, HP:0001639.

Submission:

Labcorp Genetics (formerly Invitae), Labcorp
Classification: Uncertain significance for Hypertrophic cardiomyopathy. Last evaluated: 2022-10-25. Review status: criteria provided, single submitter. Criteria: Invitae Variant Classification Sherloc (09022015). Collection method: clinical testing. Allele origin: germline.
Comment: Algorithms developed to predict the effect of sequence changes on RNA splicing suggest that this variant may disrupt the consensus splice site. Algorithms developed to predict the effect of missense changes on protein structure and function are either unavailable or do not agree on the potential impact of this missense change (SIFT: "Deleterious"; PolyPhen-2: "Probably Damaging"; Align-GVGD: "Class C0"). This variant has not been reported in the literature in individuals affected with MYBPC3-related conditions. This variant is not present in population databases (gnomAD no frequency). This sequence change replaces phenylalanine, which is neutral and non-polar, with serine, which is neutral and polar, at codon 365 of the MYBPC3 protein (p.Phe365Ser). In summary, the available evidence is currently insufficient to determine the role of this variant in disease. Therefore, it has been classified as a Variant of Uncertain Significance.